The following is an entry in ClinVar:

ClinVar aggregate classification (germline): Uncertain significance. Review status: criteria provided, multiple submitters, no conflicts (2 of 4 stars). 2 submissions from 2 submitters: Uncertain significance (2). Last evaluated 2025-04-07.

Submissions (2):

Labcorp Genetics (formerly Invitae), Labcorp
Classification: Uncertain significance. Last evaluated: 2025-04-07. Review status: criteria provided, single submitter. Criteria: Invitae Variant Classification Sherloc (09022015). Collection method: clinical testing. Allele origin: germline.
Comment: This sequence change replaces glycine, which is neutral and non-polar, with alanine, which is neutral and non-polar, at codon 6286 of the ADGRV1 protein (p.Gly6286Ala). This variant is not present in population databases (gnomAD no frequency). This variant has not been reported in the literature in individuals affected with ADGRV1-related conditions. ClinVar contains an entry for this variant (Variation ID: 1051604). An algorithm developed to predict the effect of missense changes on protein structure and function (PolyPhen-2) suggests that this variant is likely to be disruptive. In summary, the available evidence is currently insufficient to determine the role of this variant in disease. Therefore, it has been classified as a Variant of Uncertain Significance.

GeneDx
Classification: Uncertain significance. Last evaluated: 2019-04-22. Review status: criteria provided, single submitter. Criteria: GeneDx Variant Classification Process June 2021. Collection method: clinical testing. Allele origin: germline. Affected: yes.
Comment: Not observed in large population cohorts (Lek et al., 2016); In silico analysis, which includes protein predictors and evolutionary conservation, supports that this variant does not alter protein structure/function; Has not been previously published as pathogenic or benign to our knowledge

NM_032119.4(ADGRV1):c.18857G>C (p.Gly6286Ala)

Gene: ADGRV1 (adhesion G protein-coupled receptor V1; plus strand). Cytogenetic location: 5q14.3.
Variant type: single nucleotide variant.
Coding change: c.18857G>C on transcript NM_032119.4 (MANE Select); coding-DNA position 18857, G replaced by C.
Protein change: p.Gly6286Ala; replaces glycine 6286 with alanine.
Molecular consequence: missense variant. On other transcripts: non-coding transcript variant (1).
Genome position (GRCh38, 1-based): chr5:91,163,836, G>C. VCF-style: chr5-91163836-G-C. GRCh37 (hg19) VCF-style: chr5-90459653-G-C.
Other names: short protein forms G6286A.
Identifiers: ClinVar variation 1051604 (VCV001051604.11), dbSNP rs888882502, ClinGen allele CA360432951.